The following is an entry in ClinVar:

NM_020884.7(MYH7B):c.257T>G (p.Leu86Arg)

Gene: MYH7B (myosin heavy chain 7B; plus strand). Cytogenetic location: 20q11.22.
Variant type: single nucleotide variant.
Coding change: c.257T>G on transcript NM_020884.7 (MANE Select); coding-DNA position 257, T replaced by G.
Protein change: p.Leu86Arg; replaces leucine 86 with arginine.
Molecular consequence: missense variant.
Genome position (GRCh38, 1-based): chr20:34,979,719, T>G. VCF-style: chr20-34979719-T-G. GRCh37 (hg19) VCF-style: chr20-33567522-T-G.
Other names: short protein forms L86R.
Identifiers: ClinVar variation 4292555 (VCV004292555.1).

ClinVar aggregate classification (germline): Uncertain significance (1 of 4 stars; one submission).

Conditions:
MYH7B-related hypertrophic cardiomyopathy.

Submission:

3billion
Classification: Uncertain significance for MYH7B-related hypertrophic cardiomyopathy. Last evaluated: 2025-02-11. Review status: criteria provided, single submitter. Criteria: ACMG Guidelines, 2015. Collection method: clinical testing. Allele origin: germline. Affected: yes.
Comment: The variant is not observed in the gnomAD v4.1.0 dataset. Predicted Consequence/Location: Missense variant In silico tool predictions suggest damaging effect of the variant on gene or gene product [REVEL: 0.62 (>=0.6, sensitivity 0.68 and specificity 0.92)]. Therefore, this variant is classified as VUS according to the recommendation of ACMG/AMP guideline.